The following is an entry in ClinVar:

ClinVar aggregate classification (germline): Likely benign. Review status: criteria provided, single submitter (1 of 4 stars). 2 submissions from 2 submitters: Likely benign (1). 1 of the submissions does not count toward it. Last evaluated 2025-12-17.

Conditions:
SRP72-related disorder. Also called: SRP72-related condition.

Allele frequency attached by ClinVar (database versions not stated): ExAC 0.00002; gnomAD exomes 0.00002 and 0.00009; gnomAD 0.00003; TOPMed 0.00006.
gnomAD v4.1: 134 of 1,614,038 alleles (0.0083%); highest among the groups gnomAD compares: Non-Finnish European, 0.011%; no homozygotes.

Submissions (2):

Labcorp Genetics (formerly Invitae), Labcorp
Classification: Likely benign. Last evaluated: 2025-12-17. Review status: criteria provided, single submitter. Criteria: Invitae Variant Classification Sherloc (09022015). Collection method: clinical testing. Allele origin: germline.

PreventionGenetics, part of Exact Sciences
Classification: Likely benign for SRP72-related condition. Last evaluated: 2022-05-04. Review status: no assertion criteria provided. Collection method: clinical testing. Allele origin: germline. Not counted in ClinVar's aggregate classification.
Comment: This variant is classified as likely benign based on ACMG/AMP sequence variant interpretation guidelines (Richards et al. 2015 PMID: 25741868, with internal and published modifications).

NM_006947.4(SRP72):c.498+8T>C

Gene: SRP72 (signal recognition particle 72; plus strand). Cytogenetic location: 4q12.
Variant type: single nucleotide variant.
Coding change: c.498+8T>C on transcript NM_006947.4 (MANE Select); 8 bases into the intron after coding-DNA position 498, T replaced by C.
Molecular consequence: intron variant.
Genome position (GRCh38, 1-based): chr4:56,474,205, T>C. VCF-style: chr4-56474205-T-C. GRCh37 (hg19) VCF-style: chr4-57340371-T-C.
Other names: c.498+8T>C (NM_001267722.2, NM_006947.3).
Identifiers: ClinVar variation 1650009 (VCV001650009.10), dbSNP rs768252482, ClinGen allele CA2931069.